The following is an entry in ClinVar:

ClinVar aggregate classification (germline): Conflicting classifications of pathogenicity. Review status: criteria provided, conflicting classifications (1 of 4 stars). 8 submissions from 7 submitters: Uncertain significance (6); Likely benign (2). Last evaluated 2025-12-10.

Conditions:
Dystonia 9 (DYT9). Also called: CHOREOATHETOSIS, KINESIGENIC, WITH EPISODIC ATAXIA AND SPASTICITY. Identifiers: Orphanet 53583, MedGen C1832855, MONDO:0010983, OMIM 601042.
Encephalopathy due to GLUT1 deficiency. Also called: GLUT1 deficiency syndrome 1, infantile onset, severe; Classic Glucose Transporter Type 1 Deficiency Syndrome; GLUCOSE TRANSPORT DEFECT, BLOOD-BRAIN BARRIER; Glucose transporter protein syndrome; GLUT1 deficiency syndrome 1; De Vivo disease. Identifiers: Orphanet 71277, MedGen C4551966, MONDO:0011724, OMIM 606777.
GLUT1 deficiency syndrome 1, autosomal recessive. Identifiers: MedGen C3149117.

Allele frequency attached by ClinVar (database versions not stated): TOPMed 0.00002; gnomAD exomes 0.00003; ExAC 0.00004; gnomAD 0.00004.
gnomAD v4.1: 46 of 1,613,590 alleles (0.0029%); highest among the groups gnomAD compares: Non-Finnish European, 0.0039%; no homozygotes.

Submissions (8):

Labcorp Genetics (formerly Invitae), Labcorp
Classification: Uncertain significance for GLUT1 deficiency syndrome 1, autosomal recessive. Last evaluated: 2025-12-10. Review status: criteria provided, single submitter. Criteria: Invitae Variant Classification Sherloc (09022015). Collection method: clinical testing. Allele origin: germline.
Comment: This sequence change replaces glutamic acid, which is acidic and polar, with alanine, which is neutral and non-polar, at codon 42 of the SLC2A1 protein (p.Glu42Ala). This variant is present in population databases (rs748082803, gnomAD 0.009%). This variant has not been reported in the literature in individuals affected with SLC2A1-related conditions. ClinVar contains an entry for this variant (Variation ID: 207186). Invitae Evidence Modeling of protein sequence and biophysical properties (such as structural, functional, and spatial information, amino acid conservation, physicochemical variation, residue mobility, and thermodynamic stability) indicates that this missense variant is not expected to disrupt SLC2A1 protein function with a negative predictive value of 95%. In summary, the available evidence is currently insufficient to determine the role of this variant in disease. Therefore, it has been classified as a Variant of Uncertain Significance.

Women's Health and Genetics/Laboratory Corporation of America, LabCorp
Classification: Uncertain significance. Last evaluated: 2024-07-26. Review status: criteria provided, single submitter. Criteria: LabCorp Variant Classification Summary - May 2015. Collection method: clinical testing. Allele origin: germline.
Comment: Variant summary: SLC2A1 c.125A>C (p.Glu42Ala) results in a non-conservative amino acid change located in the Major facilitator superfamily domain (IPR020846) of the encoded protein sequence. Three of five in-silico tools predict a benign effect of the variant on protein function. The variant allele was found at a frequency of 2.8e-05 in 250562 control chromosomes. The available data on variant occurrences in the general population are insufficient to allow any conclusion about variant significance. To our knowledge, no occurrence of c.125A>C in individuals affected with GLUT1 Deficiency Syndrome 1 and no experimental evidence demonstrating its impact on protein function have been reported. ClinVar contains an entry for this variant (Variation ID: 207186). Based on the evidence outlined above, the variant was classified as uncertain significance.

CeGaT Center for Human Genetics Tuebingen
Classification: Uncertain significance. Last evaluated: 2024-06-01. Review status: criteria provided, single submitter. Criteria: CeGaT Center For Human Genetics Tuebingen Variant Classification Criteria Version 2. Collection method: clinical testing. Allele origin: germline. Affected: yes. Observed: 6 variant alleles.
Comment: SLC2A1: PM2:Supporting, BP4

ARUP Laboratories, Molecular Genetics and Genomics, ARUP Laboratories
Classification: Uncertain significance. Last evaluated: 2023-11-22. Review status: criteria provided, single submitter. Criteria: ARUP Molecular Germline Variant Investigation Process 2024. Collection method: clinical testing. Allele origin: germline.

Institute for Clinical Genetics, University Hospital TU Dresden, University Hospital TU Dresden
Classification: Uncertain significance. Last evaluated: 2021-11-03. Review status: criteria provided, single submitter. Criteria: ACMG Guidelines, 2015. Collection method: clinical testing. Allele origin: germline.

GeneDx
Classification: Uncertain significance. Last evaluated: 2017-07-27. Review status: criteria provided, single submitter. Criteria: GeneDx Variant Classification (06012015). Collection method: clinical testing. Allele origin: germline. Affected: yes.
Comment: p.Glu42Ala (E42A) GAG>GCG: c.125 A>C in exon 3 of the SLC2A1 gene (NM_006516.2)TThe E42A variant has not been published as a mutation, nor has it been reported as a benign polymorphism to our knowledge. It was not observed in approximately 6,500 individuals of European and African American ancestry in the NHLBI Exome Sequencing Project, indicating it is not a common benign variant in these populations. The E42A variant is a non-conservative amino acid substitution, which is likely to impact secondary protein structure as these residues differ in polarity, charge, size and/or other properties. This substitution occurs at a position conserved in mammals in the extracellular loop between the first and second transmembrane domains. Nonsense mutations at the same residue (E42X) and in a nearby residue (Q46X), as well as a nearby missense mutation (E41K), have been reported in association with glucose transporter-1 deficiency syndrome (Leen et al., 2010), supporting the functional importance of this region of the protein. However, in silico analysis predicts the E42A variant likely does not alter the protein structure/function. The possibility that it is a disease associated mutation cannot be excluded since some individuals with SLC2A1 mutations have been reported to be mildly affected or unaffected due to variability in phenotypic expression and/or reduced penetrance (Weber et al., 2008; Suls et al., 2008). The variant is found in INFANT-EPI panel(s).

Illumina Laboratory Services, Illumina
Classification: Likely benign for Encephalopathy due to GLUT1 deficiency. Last evaluated: 2017-04-27. Review status: criteria provided, single submitter. Criteria: ICSL Variant Classification Criteria 13 December 2019. Collection method: clinical testing. Allele origin: germline.
Comment: This variant was observed as part of a predisposition screen in an ostensibly healthy population. A literature search was performed for the gene, cDNA change, and amino acid change (where applicable). No publications were found based on this search. Allele frequency data from public databases allowed determination this variant is unlikely to cause disease. Therefore, this variant is classified as likely benign.

Illumina Laboratory Services, Illumina
Classification: Likely benign for Dystonia 9. Last evaluated: 2017-04-27. Review status: criteria provided, single submitter. Criteria: ICSL Variant Classification Criteria 13 December 2019. Collection method: clinical testing. Allele origin: germline.
Comment: the same text as in the submission from Illumina Laboratory Services, Illumina above.

NM_006516.4(SLC2A1):c.125A>C (p.Glu42Ala)

Gene: SLC2A1 (solute carrier family 2 member 1; minus strand). Cytogenetic location: 1p34.2.
Variant type: single nucleotide variant.
Coding change: c.125A>C on transcript NM_006516.4 (MANE Select); coding-DNA position 125, A replaced by C.
Protein change: p.Glu42Ala; replaces glutamic acid 42 with alanine.
Molecular consequence: missense variant.
Genome position (GRCh38, 1-based): chr1:42,931,196, T>G on the plus strand (A>C on the coding strand, the complement: SLC2A1 is on the minus strand). VCF-style: chr1-42931196-T-G. GRCh37 (hg19) VCF-style: chr1-43396867-T-G.
Other names: p.E42A:GAG>GCG; short protein forms E42A.
Identifiers: ClinVar variation 207186 (VCV000207186.60), dbSNP rs748082803, ClinGen allele CA318419.